The following is an entry in ClinVar:

NM_001005242.3(PKP2):c.1171-1G>C

Gene: PKP2 (plakophilin 2; minus strand). Cytogenetic location: 12p11.21.
Variant type: single nucleotide variant.
Coding change: c.1171-1G>C on transcript NM_001005242.3 (MANE Select); the canonical splice acceptor site of the intron before coding-DNA position 1171, G replaced by C.
Molecular consequence: splice acceptor variant.
Genome position (GRCh38, 1-based): chr12:32,850,974, C>G on the plus strand (G>C on the coding strand, the complement: PKP2 is on the minus strand). VCF-style: chr12-32850974-C-G. GRCh37 (hg19) VCF-style: chr12-33003908-C-G.
Other names: c.1171-1G>C (NM_001407156.1, NM_001407155.1, NM_004572.4 and 2 more transcripts); c.844-1G>C (NM_001407160.1, NM_001407159.1, NM_001407158.1 and 1 more transcripts).
Identifiers: ClinVar variation 4845113 (VCV004845113.1).

ClinVar aggregate classification (germline): Uncertain significance (1 of 4 stars; one submission).

Conditions:
Cardiovascular phenotype. Identifiers: MedGen CN230736.

gnomAD v4.1: 1 of 1,613,382 alleles (0.000062%); highest among the groups gnomAD compares: Non-Finnish European, 0.000085%; no homozygotes.

Submission:

Ambry Genetics
Classification: Uncertain significance for Cardiovascular phenotype. Last evaluated: 2026-02-23. Review status: criteria provided, single submitter. Criteria: Ambry Variant Classification Scheme 2023. Collection method: clinical testing. Allele origin: germline.
Comment: The c.1171-1G>C intronic variant results from a G to C substitution one nucleotide before coding exon 5 of the PKP2 gene. This variant was reported in individual(s) with features that may be consistent with arrhythmogenic right ventricular cardiomyopathy (Ambry internal data). Variants that disrupt the canonical splice site are expected to result in aberrant splicing. In silico splice site analysis predicts that this alteration will weaken the native splice acceptor site and will result in the creation or strengthening of a novel splice acceptor site. A resulting transcript is predicted to be in-frame and is not expected to trigger nonsense-mediated mRNA decay; although, direct evidence is unavailable. This nucleotide position is highly conserved in available vertebrate species. Based on the available evidence, the clinical significance of this variant remains unclear.